The following is an entry in ClinVar:

NM_000392.5(ABCC2):c.3636dup (p.Leu1213fs)

Gene: ABCC2 (ATP binding cassette subfamily C member 2; plus strand). Cytogenetic location: 10q24.2.
Variant type: Duplication.
Coding change: c.3636dup on transcript NM_000392.5 (MANE Select); coding-DNA position 3636, one base duplicated (G; older notation c.3636dupG).
Protein change: p.Leu1213fs; shifts the reading frame from leucine 1213.
Molecular consequence: frameshift variant.
Genome position (GRCh38, 1-based): chr10:99,841,988, G duplicated. VCF-style (leftmost placement, unchanged base first): chr10-99841987-A-AG. GRCh37 (hg19) VCF-style: chr10-101601744-A-AG.
Other names: c.3636dupG (NM_000392.4); short protein forms L1213fs.
Identifiers: ClinVar variation 1526242 (VCV001526242.5), dbSNP rs766573679, ClinGen allele CA5643899.

ClinVar aggregate classification (germline): Pathogenic. Review status: criteria provided, multiple submitters, no conflicts (2 of 4 stars). 3 submissions from 3 submitters: Pathogenic (3). Last evaluated 2026-03-15.

Conditions:
ABCC2-related disorder. Also called: ABCC2-related condition.
Dubin-Johnson syndrome (DJS). Also called: HYPERBILIRUBINEMIA, DUBIN-JOHNSON TYPE; Jaundice, Chronic Idiopathic; Hyperbilirubinemia type 2. Identifiers: Orphanet 234, MedGen C0022350, MONDO:0009380, OMIM 237500.

Allele frequency attached by ClinVar (database versions not stated): gnomAD exomes 0.00002 and 0.00004; ExAC 0.00005.

Submissions (3):

PreventionGenetics, part of Exact Sciences
Classification: Pathogenic for ABCC2-related condition. Last evaluated: 2026-03-15. Review status: criteria provided, single submitter. Criteria: ACMG Guidelines, 2015. Collection method: clinical testing. Allele origin: germline.
Comment: The ABCC2 c.3636dupG variant is predicted to result in a frameshift and premature protein termination (p.Leu1213Alafs*18). To our knowledge, this variant has not been reported in the literature. This variant is reported in 0.036% of alleles in individuals of South Asian descent in gnomAD. Frameshift variants in ABCC2 are expected to be pathogenic. This variant is interpreted as pathogenic.

Labcorp Genetics (formerly Invitae), Labcorp
Classification: Pathogenic. Last evaluated: 2024-03-18. Review status: criteria provided, single submitter. Criteria: Invitae Variant Classification Sherloc (09022015). Collection method: clinical testing. Allele origin: germline.
Comment: This sequence change creates a premature translational stop signal (p.Leu1213Alafs*18) in the ABCC2 gene. It is expected to result in an absent or disrupted protein product. Loss-of-function variants in ABCC2 are known to be pathogenic (PMID: 9185779, 16549534, 16952291). This variant is present in population databases (rs766573679, gnomAD 0.04%). This variant has not been reported in the literature in individuals affected with ABCC2-related conditions. ClinVar contains an entry for this variant (Variation ID: 1526242). Algorithms developed to predict the effect of sequence changes on RNA splicing suggest that this variant may disrupt the consensus splice site. For these reasons, this variant has been classified as Pathogenic.

3billion
Classification: Pathogenic for Dubin-Johnson syndrome. Last evaluated: 2022-03-22. Review status: criteria provided, single submitter. Criteria: ACMG Guidelines, 2015. Collection method: clinical testing. Allele origin: germline. Affected: yes. Observed: 1 homozygote.
Comment: Frameshift: predicted to result in a loss or disruption of normal protein function through nonsense-mediated decay (NMD) or protein truncation. Multiple pathogenic variants are reported downstream of the variant. It is observed at an extremely low frequency in the gnomAD v2.1.1 dataset (total allele frequency: 0.0000437). Therefore, this variant is classified as pathogenic according to the recommendation of ACMG/AMP guideline.

Literature cited by the submitters: PubMed 9185779 (cited by Labcorp Genetics (formerly Invitae), Labcorp); PubMed 16549534 (cited by Labcorp Genetics (formerly Invitae), Labcorp); PubMed 16952291 (cited by Labcorp Genetics (formerly Invitae), Labcorp).